The following is an entry in ClinVar:

ClinVar aggregate classification (germline): Conflicting classifications of pathogenicity. Review status: criteria provided, conflicting classifications (1 of 4 stars). 3 submissions from 3 submitters: Uncertain significance (2); Likely benign (1). Last evaluated 2025-03-22.

Conditions:
Hereditary cancer-predisposing syndrome. Also called: Hereditary Cancer Syndrome; Neoplastic Syndromes, Hereditary; Hereditary neoplastic syndrome; Tumor predisposition. Identifiers: Orphanet 140162, MedGen C0027672, MeSH D009386, MONDO:0015356.
Hereditary breast ovarian cancer syndrome. Also called: Hereditary breast and ovarian cancer; Hereditary breast and ovarian cancer syndrome; BRCA1- and BRCA2-Associated Hereditary Breast and Ovarian Cancer; Hereditary breast and/or ovarian cancer syndrome; Hereditary breast and ovarian cancer syndrome (HBOC); Breast and ovarian cancer. Identifiers: Orphanet 145, MedGen C0677776, MeSH D061325, MONDO:0003582. Disease mechanism: loss of function.

Submissions (3):

Quest Diagnostics Nichols Institute San Juan Capistrano
Classification: Uncertain significance. Last evaluated: 2025-03-22. Review status: criteria provided, single submitter. Criteria: Quest Diagnostics criteria. Collection method: clinical testing. Allele origin: unknown.
Comment: The BRCA1 c.4096+9A>G variant has not been reported in individuals with BRCA1-related conditions in the published literature. It also has not been reported in large, multi-ethnic general populations (Genome Aggregation Database). Analysis of this variant using software algorithms for the prediction of the effect of nucleotide changes on splicing yielded predictions that this variant does not affect BRCA1 mRNA splicing. Based on the available information, we are unable to determine the clinical significance of this variant.

Labcorp Genetics (formerly Invitae), Labcorp
Classification: Likely benign for Hereditary breast ovarian cancer syndrome. Last evaluated: 2019-04-01. Review status: criteria provided, single submitter. Criteria: Invitae Variant Classification Sherloc (09022015). Collection method: clinical testing. Allele origin: germline.

Ambry Genetics
Classification: Uncertain significance for Hereditary cancer-predisposing syndrome. Last evaluated: 2015-07-02. Review status: criteria provided, single submitter. Criteria: Ambry Variant Classification Scheme 2023. Collection method: clinical testing. Allele origin: germline.
Comment: The c.4096+9A>G intronic alteration consists of a A to G substitution nucleotides after coding exon 9 in the BRCA1 gene. Based on insufficient or conflicting evidence, the clinical significance of this alteration remains unclear.

NM_007294.4(BRCA1):c.4096+9A>G

Genes: BRCA1 (BRCA1 DNA repair associated; minus strand), LOC126862571 (BRD4-independent group 4 enhancer GRCh37_chr17:41243136-41244335; plus strand). Cytogenetic location: 17q21.31.
Variant type: single nucleotide variant.
Coding change: c.4096+9A>G on transcript NM_007294.4 (MANE Select); 9 bases into the intron after coding-DNA position 4096, A replaced by G.
Molecular consequence: intron variant.
Genome position (GRCh38, 1-based): chr17:43,091,426, T>C on the plus strand (A>G on the coding strand, the complement: BRCA1 is on the minus strand). VCF-style: chr17-43091426-T-C. GRCh37 (hg19) VCF-style: chr17-41243443-T-C.
Other names: c.671-394A>G (NM_001408422.1, NM_001408418.1, NM_001408423.1 and 2 more transcripts); c.3955+9A>G (NM_001407727.1, NM_001407737.1, NM_001407728.1 and 29 more transcripts); c.3883+9A>G (NM_001407896.1, NM_001407571.1, NM_001407917.1 and 9 more transcripts); c.3886+9A>G (NM_001407900.1, NM_001407907.1, NM_001407879.1 and 13 more transcripts); c.3763+9A>G (NM_001407952.1, NM_001407950.1, NM_001407948.1 and 6 more transcripts); c.3952+9A>G (NM_001407841.1, NM_001407747.1, NM_001407848.1 and 20 more transcripts); c.3892+9A>G (NM_001407874.1, NM_001407875.1); c.707-394A>G (NM_001408416.1, NM_001408413.1); and 41 more.
Identifiers: ClinVar variation 1094445 (VCV001094445.12), dbSNP rs2154264165, ClinGen allele CA10593746.